The following is an entry in ClinVar:

ClinVar aggregate classification (germline): Pathogenic (1 of 4 stars; one submission).

Conditions:
ADNP-related multiple congenital anomalies - intellectual disability - autism spectrum disorder. Also called: ADNP-Related Helsmoortel-Van der Aa Syndrome; Helsmoortel-Van der Aa Syndrome. Identifiers: Orphanet 404448, MedGen C4014538, MONDO:0014379, OMIM 615873. Disease mechanism: loss of function.

Submission:

GeneDx
Classification: Pathogenic. Last evaluated: 2017-01-04. Review status: criteria provided, single submitter. Criteria: GeneDx Variant Classification (06012015). Collection method: clinical testing. Allele origin: germline. Affected: yes.
Comment: The c.819delC variant in the ADNP gene has not been reported previously as a pathogenic variant nor as a benign variant, to our knowledge. The c.819delC variant causes a frameshift starting with codon Lysine 274, changes this amino acid to an Asparagine residue, and creates a premature Stop codon at position 31 of the new reading frame, denoted p.Lys274AsnfsX31. This variant is predicted to cause loss of normal protein function through protein truncation. The c.819delC variant was not observed in approximately 6500 individuals of European and African American ancestry in the NHLBI Exome Sequencing Project, indicating it is not a common benign variant in these populations. Protein truncating pathogenic variants downstream of this variant have been reported in the Human Gene Mutation Database in association with ADNP-related disorders (Stenson et al., 2014), supporting the pathogenicity of more upstream truncating variants. We interpret c.819delC as a pathogenic variant.

NM_001282531.3(ADNP):c.819del (p.Lys274fs)

Gene: ADNP (activity dependent neuroprotector homeobox; minus strand). Cytogenetic location: 20q13.13.
Variant type: Deletion.
Coding change: c.819del on transcript NM_001282531.3 (MANE Select); coding-DNA position 819, one base deleted (C; older notation c.819delC).
Protein change: p.Lys274fs; shifts the reading frame from lysine 274.
Molecular consequence: frameshift variant.
Genome position (GRCh38, 1-based): chr20:50,893,895, G deleted on the plus strand (C on the coding strand, the reverse complement: ADNP is on the minus strand); the first of 3 consecutive G bases (chr20:50,893,895-50,893,897); deleting any one gives the same sequence. VCF-style (leftmost placement, unchanged base first): chr20-50893894-TG-T. GRCh37 (hg19) VCF-style: chr20-49510431-TG-T.
Other names: c.819del, p.Lys274fs (NM_001282532.2, NM_001347511.2, NM_015339.5 and 1 more transcripts); short protein forms K274fs.
Identifiers: ClinVar variation 280262 (VCV000280262.4), dbSNP rs886041498, ClinGen allele CA10603539.